The following is an entry in ClinVar:

ClinVar aggregate classification (germline): Conflicting classifications of pathogenicity. Review status: criteria provided, conflicting classifications (1 of 4 stars). 2 submissions from 2 submitters: Uncertain significance (1); Likely benign (1). Last evaluated 2025-07-01.

Conditions:
Inborn genetic diseases. Identifiers: MedGen C0950123, MeSH D030342.

gnomAD v4.1: 120 of 1,613,996 alleles (0.0074%); highest among the groups gnomAD compares: Non-Finnish European, 0.0087%; no homozygotes.

Submissions (2):

CeGaT Center for Human Genetics Tuebingen
Classification: Likely benign. Last evaluated: 2025-07-01. Review status: criteria provided, single submitter. Criteria: CeGaT Center For Human Genetics Tuebingen Variant Classification Criteria Version 2. Collection method: clinical testing. Allele origin: germline. Affected: yes. Observed: 1 variant allele.
Comment: SRRM2: BS2

Ambry Genetics
Classification: Uncertain significance for Inborn genetic diseases. Last evaluated: 2024-10-01. Review status: criteria provided, single submitter. Criteria: Ambry Variant Classification Scheme 2023. Collection method: clinical testing. Allele origin: germline.

NM_016333.4(SRRM2):c.2158A>G (p.Arg720Gly)

Gene: SRRM2 (serine/arginine repetitive matrix 2; plus strand). Cytogenetic location: 16p13.3.
Variant type: single nucleotide variant.
Coding change: c.2158A>G on transcript NM_016333.4 (MANE Select); coding-DNA position 2158, A replaced by G.
Protein change: p.Arg720Gly; replaces arginine 720 with glycine.
Molecular consequence: missense variant.
Genome position (GRCh38, 1-based): chr16:2,762,686, A>G. VCF-style: chr16-2762686-A-G. GRCh37 (hg19) VCF-style: chr16-2812687-A-G.
Other names: short protein forms R720G.
Identifiers: ClinVar variation 3449527 (VCV003449527.9).
Genomic context (GRCh38, chr16:2,762,686, plus strand): 5'-GGAAGATCCCGCAGTAGAAGCTTAGTTAGACGTGGAAGATCTCACTCTAGAACACCTCAA[A>G]GAAGAGGCAGATCTGGCTCATCTTCAGAGCGGAAAAACAAATCCAGAACATCTCAAAGAA-3'
Protein context (NP_057417.3, residues 710-730): RGRSHSRTPQ[Arg720Gly]RGRSGSSSER